The following is an entry in ClinVar:

ClinVar aggregate classification (germline): Uncertain significance (1 of 4 stars; one submission).

Allele frequency attached by ClinVar (database versions not stated): gnomAD exomes below 0.00001.

Submission:

Labcorp Genetics (formerly Invitae), Labcorp
Classification: Uncertain significance. Last evaluated: 2026-01-05. Review status: criteria provided, single submitter. Criteria: Invitae Variant Classification Sherloc (09022015). Collection method: clinical testing. Allele origin: germline.
Comment: This sequence change replaces arginine, which is basic and polar, with histidine, which is basic and polar, at codon 106 of the PLVAP protein (p.Arg106His). This variant is not present in population databases (gnomAD no frequency). This variant has not been reported in the literature in individuals affected with PLVAP-related conditions. ClinVar contains an entry for this variant (Variation ID: 2089931). Invitae Evidence Modeling of protein sequence and biophysical properties (such as structural, functional, and spatial information, amino acid conservation, physicochemical variation, residue mobility, and thermodynamic stability) indicates that this missense variant is expected to disrupt PLVAP protein function with a positive predictive value of 80%. In summary, the available evidence is currently insufficient to determine the role of this variant in disease. Therefore, it has been classified as a Variant of Uncertain Significance.

NM_031310.3(PLVAP):c.317G>A (p.Arg106His)

Gene: PLVAP (plasmalemma vesicle associated protein; minus strand). Cytogenetic location: 19p13.11.
Variant type: single nucleotide variant.
Coding change: c.317G>A on transcript NM_031310.3 (MANE Select); coding-DNA position 317, G replaced by A.
Protein change: p.Arg106His; replaces arginine 106 with histidine.
Molecular consequence: missense variant.
Genome position (GRCh38, 1-based): chr19:17,376,972, C>T on the plus strand (G>A on the coding strand, the complement: PLVAP is on the minus strand). VCF-style: chr19-17376972-C-T. GRCh37 (hg19) VCF-style: chr19-17487781-C-T.
Other names: short protein forms R106H.
Identifiers: ClinVar variation 2089931 (VCV002089931.4), dbSNP rs2513238685, ClinGen allele CA404684284.